The following is an entry in ClinVar:

ClinVar aggregate classification (germline): Uncertain significance (1 of 4 stars; one submission).

Conditions:
Hereditary breast ovarian cancer syndrome. Also called: Hereditary breast and ovarian cancer syndrome (HBOC); Hereditary breast and/or ovarian cancer syndrome; Hereditary breast and ovarian cancer syndrome; Breast and ovarian cancer; Hereditary breast and ovarian cancer; BRCA1- and BRCA2-Associated Hereditary Breast and Ovarian Cancer. Identifiers: Orphanet 145, MedGen C0677776, MeSH D061325, MONDO:0003582. Disease mechanism: loss of function.

Submission:

Labcorp Genetics (formerly Invitae), Labcorp
Classification: Uncertain significance for Hereditary breast ovarian cancer syndrome. Last evaluated: 2023-09-03. Review status: criteria provided, single submitter. Criteria: Invitae Variant Classification Sherloc (09022015). Collection method: clinical testing. Allele origin: germline.
Comment: In summary, the available evidence is currently insufficient to determine the role of this variant in disease. Therefore, it has been classified as a Variant of Uncertain Significance. Advanced modeling of protein sequence and biophysical properties (such as structural, functional, and spatial information, amino acid conservation, physicochemical variation, residue mobility, and thermodynamic stability) performed at Invitae indicates that this missense variant is not expected to disrupt BRCA1 protein function. This variant has not been reported in the literature in individuals affected with BRCA1-related conditions. This variant is not present in population databases (gnomAD no frequency). This sequence change replaces proline, which is neutral and non-polar, with leucine, which is neutral and non-polar, at codon 919 of the BRCA1 protein (p.Pro919Leu).

NM_007294.4(BRCA1):c.2756C>T (p.Pro919Leu)

Gene: BRCA1 (BRCA1 DNA repair associated; minus strand). Cytogenetic location: 17q21.31.
Variant type: single nucleotide variant.
Coding change: c.2756C>T on transcript NM_007294.4 (MANE Select); coding-DNA position 2756, C replaced by T.
Protein change: p.Pro919Leu; replaces proline 919 with leucine.
Molecular consequence: missense variant. On other transcripts: intron variant (137).
Genome position (GRCh38, 1-based): chr17:43,092,775, G>A on the plus strand (C>T on the coding strand, the complement: BRCA1 is on the minus strand). VCF-style: chr17-43092775-G-A. GRCh37 (hg19) VCF-style: chr17-41244792-G-A.
Other names: c.647-1743C>T (NM_001408461.1, NM_001408467.1, NM_001408459.1 and 11 more transcripts); c.785-1743C>T (NM_001408397.1, NM_001407984.1, NM_001408398.1 and 13 more transcripts); c.665-1743C>T (NM_001408436.1, NM_001408443.1, NM_001408439.1 and 12 more transcripts); c.788-1743C>T (NM_001407980.1, NM_001407993.1, NM_001407976.1 and 17 more transcripts); c.653-1743C>T (NM_001408451.1); c.575-1743C>T (NM_001408491.1, NM_001408493.1, NM_001408490.1); c.461-1743C>T (NM_001408506.1, NM_001408507.1); c.524-1743C>T (NM_001408498.1, NM_001408499.1, NM_001408501.1 and 3 more transcripts); and 41 more; short protein forms P849L, P852L, P877L, P918L, P919L, P623L, P792L, P831L.
Identifiers: ClinVar variation 2757634 (VCV002757634.3), dbSNP rs2154361017, ClinGen allele CA10596476.